The following is an entry in ClinVar:

NM_001655.5(ARCN1):c.458G>A (p.Arg153His)

Gene: ARCN1 (archain 1 coat protein complex I subunit delta; plus strand). Cytogenetic location: 11q23.3.
Variant type: single nucleotide variant.
Coding change: c.458G>A on transcript NM_001655.5 (MANE Select); coding-DNA position 458, G replaced by A.
Protein change: p.Arg153His; replaces arginine 153 with histidine.
Molecular consequence: missense variant.
Genome position (GRCh38, 1-based): chr11:118,583,819, G>A. VCF-style: chr11-118583819-G-A. GRCh37 (hg19) VCF-style: chr11-118454534-G-A.
Other names: c.194G>A, p.Arg65His (NM_001142281.2); short protein forms R153H, R65H.
Identifiers: ClinVar variation 1504214 (VCV001504214.8), dbSNP rs1555075021, ClinGen allele CA382804959.

ClinVar aggregate classification (germline): Uncertain significance (1 of 4 stars; one submission).

Allele frequency attached by ClinVar (database versions not stated): gnomAD exomes below 0.00001.
gnomAD v4.1: 4 of 1,613,962 alleles (0.00025%); highest among the groups gnomAD compares: Non-Finnish European, 0.00034%; no homozygotes.

Submission:

Labcorp Genetics (formerly Invitae), Labcorp
Classification: Uncertain significance. Last evaluated: 2022-10-13. Review status: criteria provided, single submitter. Criteria: Invitae Variant Classification Sherloc (09022015). Collection method: clinical testing. Allele origin: germline.
Comment: In summary, the available evidence is currently insufficient to determine the role of this variant in disease. Therefore, it has been classified as a Variant of Uncertain Significance. Algorithms developed to predict the effect of missense changes on protein structure and function are either unavailable or do not agree on the potential impact of this missense change (SIFT: "Tolerated"; PolyPhen-2: "Possibly Damaging"; Align-GVGD: "Class C0"). ClinVar contains an entry for this variant (Variation ID: 1504214). This variant has not been reported in the literature in individuals affected with ARCN1-related conditions. This variant is not present in population databases (gnomAD no frequency). This sequence change replaces arginine, which is basic and polar, with histidine, which is basic and polar, at codon 153 of the ARCN1 protein (p.Arg153His).